The following is an entry in ClinVar:

ClinVar aggregate classification (germline): Benign. Review status: criteria provided, multiple submitters, no conflicts (2 of 4 stars). 5 submissions from 5 submitters: Benign (3). 2 of the submissions do not count toward it. Last evaluated 2026-02-01.

Conditions:
CEP135-related disorder. Also called: CEP135-related condition.

Allele frequency attached by ClinVar (database versions not stated): ExAC 0.03137; gnomAD exomes 0.03308; 1000 Genomes Project 0.02216; gnomAD 0.02385 and 0.02394; TOPMed 0.02685; ESP Exome Variant Server 0.02084; 1000 Genomes Project 30x 0.02374.
gnomAD v4.1: 45,107 of 1,612,656 alleles (2.8%); highest among the groups gnomAD compares: Admixed American, 8.9%; 834 homozygotes.

Submissions (5):

Labcorp Genetics (formerly Invitae), Labcorp
Classification: Benign. Last evaluated: 2026-02-01. Review status: criteria provided, single submitter. Criteria: Invitae Variant Classification Sherloc (09022015). Collection method: clinical testing. Allele origin: germline.

GeneDx
Classification: Benign. Last evaluated: 2018-07-17. Review status: criteria provided, single submitter. Criteria: GeneDx Variant Classification Process June 2021. Collection method: clinical testing. Allele origin: germline. Affected: yes.

Breakthrough Genomics
Classification: Benign. Review status: criteria provided, single submitter. Criteria: ACMG Guidelines, 2015. Collection method: not provided. Allele origin: germline. Inheritance: Autosomal recessive inheritance. Affected: yes.

PreventionGenetics, part of Exact Sciences
Classification: Benign for CEP135-related condition. Last evaluated: 2019-07-19. Review status: no assertion criteria provided. Collection method: clinical testing. Allele origin: germline. Not counted in ClinVar's aggregate classification.
Comment: This variant is classified as benign based on ACMG/AMP sequence variant interpretation guidelines (Richards et al. 2015 PMID: 25741868, with internal and published modifications).

Genetic Services Laboratory, University of Chicago
Classification: Likely benign for AllHighlyPenetrant. Review status: no assertion criteria provided. Collection method: clinical testing. Allele origin: germline. Inheritance: Autosomal recessive inheritance. Not counted in ClinVar's aggregate classification.
Comment: Likely benign based on allele frequency in 1000 Genomes Project or ESP global frequency and its presence in a patient with a rare or unrelated disease phenotype. NOT Sanger confirmed.

NM_025009.5(CEP135):c.2976C>G (p.Thr992=)

Gene: CEP135 (centrosomal protein 135; plus strand). Cytogenetic location: 4q12.
Variant type: single nucleotide variant.
Coding change: c.2976C>G on transcript NM_025009.5 (MANE Select); coding-DNA position 2976, C replaced by G.
Protein change: p.Thr992=; no amino-acid change (threonine 992 retained).
Molecular consequence: synonymous variant.
Genome position (GRCh38, 1-based): chr4:56,017,821, C>G. VCF-style: chr4-56017821-C-G. GRCh37 (hg19) VCF-style: chr4-56883987-C-G.
Identifiers: ClinVar variation 128699 (VCV000128699.18), dbSNP rs35143702, ClinGen allele CA152302.